The following is an entry in ClinVar:

NM_130837.3(OPA1):c.1345A>G (p.Met449Val)

Gene: OPA1 (OPA1 mitochondrial dynamin like GTPase; plus strand). Cytogenetic location: 3q29.
Variant type: single nucleotide variant.
Coding change: c.1345A>G on transcript NM_130837.3 (MANE Select); coding-DNA position 1345, A replaced by G.
Protein change: p.Met449Val; replaces methionine 449 with valine.
Molecular consequence: missense variant.
Genome position (GRCh38, 1-based): chr3:193,643,412, A>G. VCF-style: chr3-193643412-A-G. GRCh37 (hg19) VCF-style: chr3-193361201-A-G.
Other names: c.811A>G, p.Met271Val (NM_001354663.2); c.808A>G, p.Met270Val (NM_001354664.2); c.1180A>G, p.Met394Val (NM_015560.3); c.1072A>G, p.Met358Val (NM_130831.3); c.1126A>G, p.Met376Val (NM_130832.3); c.1183A>G, p.Met395Val (NM_130833.3); c.1234A>G, p.Met412Val (NM_130834.3); c.1237A>G, p.Met413Val (NM_130835.3); and 1 more; short protein forms M270V, M376V, M394V, M431V, M449V, M358V, M395V, M412V.
Identifiers: ClinVar variation 1983543 (VCV001983543.6), dbSNP rs773887827, ClinGen allele CA2759356.

ClinVar aggregate classification (germline): Uncertain significance. Review status: criteria provided, multiple submitters, no conflicts (2 of 4 stars). 3 submissions from 3 submitters: Uncertain significance (3). Last evaluated 2025-06-29.

Conditions:
Mitochondrial DNA depletion syndrome 14B (cardioencephalomyopathic type). Also called: Mitochondrial DNA depletion syndrome 14 (cardioencephalomyopathic type); Mitochondrial DNA depletion syndrome 14 (encephalocardiomyopathic type). Identifiers: MedGen C6065890, MONDO:0014820, OMIM 616896.
Abortive cerebellar ataxia (BEHRS). Also called: OPTIC ATROPHY, INFANTILE HEREDITARY, WITH NEUROLOGIC ABNORMALITIES; Behr syndrome. Identifiers: Orphanet 1239, MedGen C0221061, MONDO:0008858, OMIM 210000.
Optic atrophy with or without deafness, ophthalmoplegia, myopathy, ataxia, and neuropathy. Also called: OPTIC ATROPHY PLUS SYNDROME. Identifiers: MedGen C3276549, MONDO:0007429, OMIM 125250.
Autosomal dominant optic atrophy classic form (OPA1). Also called: KJER-TYPE OPTIC ATROPHY; OPTIC ATROPHY, JUVENILE; Optic Atrophy Type 1. Identifiers: Orphanet 98673, MedGen C0338508, MONDO:0008134, OMIM 165500.

Allele frequency attached by ClinVar (database versions not stated): ExAC 0.00001; gnomAD exomes 0.00001; TOPMed 0.00002; gnomAD 0.00003.
gnomAD v4.1: 13 of 1,612,056 alleles (0.00081%); highest among the groups gnomAD compares: African/African-American, 0.0027%; no homozygotes.

Submissions (3):

Labcorp Genetics (formerly Invitae), Labcorp
Classification: Uncertain significance. Last evaluated: 2025-06-29. Review status: criteria provided, single submitter. Criteria: Invitae Variant Classification Sherloc (09022015). Collection method: clinical testing. Allele origin: germline.
Comment: This sequence change replaces methionine, which is neutral and non-polar, with valine, which is neutral and non-polar, at codon 394 of the OPA1 protein (p.Met394Val). This variant is present in population databases (rs773887827, gnomAD 0.004%). This missense change has been observed in individual(s) with OPA1-related conditions (PMID: 34242285). ClinVar contains an entry for this variant (Variation ID: 1983543). Invitae Evidence Modeling of protein sequence and biophysical properties (such as structural, functional, and spatial information, amino acid conservation, physicochemical variation, residue mobility, and thermodynamic stability) indicates that this missense variant is not expected to disrupt OPA1 protein function with a negative predictive value of 80%. Algorithms developed to predict the effect of sequence changes on RNA splicing suggest that this variant may disrupt the consensus splice site. In summary, the available evidence is currently insufficient to determine the role of this variant in disease. Therefore, it has been classified as a Variant of Uncertain Significance.

GeneDx
Classification: Uncertain significance. Last evaluated: 2024-07-18. Review status: criteria provided, single submitter. Criteria: GeneDx Variant Classification Process June 2021. Collection method: clinical testing. Allele origin: germline. Affected: yes.
Comment: In silico analysis supports that this missense variant has a deleterious effect on protein structure/function; In silico analysis is inconclusive as to whether the variant alters gene splicing. In the absence of RNA/functional studies, the actual effect of this sequence change is unknown.; This variant is associated with the following publications: (PMID: 34242285)

Department of Pathology and Laboratory Medicine, Sinai Health System
Classification: Uncertain significance for Optic atrophy with or without deafness, ophthalmoplegia, myopathy, ataxia, and neuropathy; Autosomal dominant optic atrophy classic form; Abortive cerebellar ataxia; Mitochondrial DNA depletion syndrome 14B (cardioencephalomyopathic type). Last evaluated: 2020-05-06. Review status: criteria provided, single submitter. Criteria: ACMG Guidelines, 2015. Collection method: research. Allele origin: germline.

Literature cited by the submitters: PubMed 34242285 (cited by Labcorp Genetics (formerly Invitae), Labcorp).